The following is an entry in ClinVar:

ClinVar aggregate classification (germline): Likely pathogenic. Review status: criteria provided, multiple submitters, no conflicts (2 of 4 stars). 2 submissions from 2 submitters: Likely pathogenic (2). Last evaluated 2025-04-11.

Conditions:
Dilated cardiomyopathy 1G (CMD1G). Identifiers: Orphanet 154, MedGen C1858763, MONDO:0011400, OMIM 604145.
Autosomal recessive limb-girdle muscular dystrophy type 2J (LGMDR10). Also called: MUSCULAR DYSTROPHY, LIMB-GIRDLE, AUTOSOMAL RECESSIVE 10; Limb-girdle muscular dystrophy, type 2J. Identifiers: Orphanet 140922, MedGen C1837342, MONDO:0012127, OMIM 608807.

Submissions (2):

GeneDx
Classification: Likely pathogenic. Last evaluated: 2025-04-11. Review status: criteria provided, single submitter. Criteria: GeneDx Variant Classification Process June 2021. Collection method: clinical testing. Allele origin: germline. Affected: yes.
Comment: Has not been previously published as pathogenic or benign to our knowledge; Not observed at significant frequency in large population cohorts (gnomAD); Frameshift variant predicted to result in protein truncation or nonsense mediated decay in a gene for which loss-of-function is a known mechanism of disease; Located in the A-band, a region of TTN for which truncating variants are significantly associated with autosomal dominant cardiomyopathy and also with autosomal recessive skeletal myopathies (PMID: 22335739, 32778822); This variant is associated with the following publications: (PMID: 22335739, 32778822)

Labcorp Genetics (formerly Invitae), Labcorp
Classification: Likely pathogenic for Dilated cardiomyopathy 1G; Autosomal recessive limb-girdle muscular dystrophy type 2J. Last evaluated: 2021-08-02. Review status: criteria provided, single submitter. Criteria: Invitae Variant Classification Sherloc (09022015). Collection method: clinical testing. Allele origin: germline.
Comment: In summary, the currently available evidence indicates that the variant is pathogenic, but additional data are needed to prove that conclusively. Therefore, this variant has been classified as Likely Pathogenic. This variant is located in the A band of TTN (PMID: 25589632). Truncating variants in this region are significantly overrepresented in patients affected with dilated cardiomyopathy (PMID: 25589632). Truncating variants in this region have also been reported in individuals affected with autosomal recessive centronuclear myopathy (PMID: 23975875). This variant has not been reported in the literature in individuals affected with TTN-related conditions. This variant is not present in population databases (ExAC no frequency). This sequence change creates a premature translational stop signal (p.Asn27186Thrfs*9) in the TTN gene. While this is not anticipated to result in nonsense mediated decay, it is expected to create a truncated TTN protein.

Literature cited by the submitters: PubMed 25589632 (cited by Labcorp Genetics (formerly Invitae), Labcorp); PubMed 23975875 (cited by Labcorp Genetics (formerly Invitae), Labcorp).

NM_001267550.2(TTN):c.81557_81564del (p.Asn27186fs)

Genes: TTN (titin; minus strand), TTN-AS1 (TTN antisense RNA 1; plus strand). Cytogenetic location: 2q31.2.
Variant type: Deletion.
Coding change: c.81557_81564del on transcript NM_001267550.2 (MANE Select); coding-DNA positions 81557 to 81564, 8 bases deleted (ATGTCACA; older notation c.81557_81564delATGTCACA).
Protein change: p.Asn27186fs; shifts the reading frame from asparagine 27186.
Molecular consequence: frameshift variant.
Genome position (GRCh38, 1-based): chr2:178,564,568-178,564,575, TGTGACAT deleted on the plus strand (ATGTCACA on the coding strand, the reverse complement: TTN is on the minus strand); deleting any 8 consecutive bases within chr2:178,564,568-178,564,578 gives the same sequence; the c. name uses the placement nearest the transcript's 3' end. VCF-style (leftmost placement, unchanged base first): chr2-178564567-GTGTGACAT-G. GRCh37 (hg19) VCF-style: chr2-179429294-GTGTGACAT-G.
Other names: c.81557_81564del (NM_001267550.1); c.76634_76641del, p.Asn25545fs (NM_001256850.1); c.54362_54369del, p.Asn18121fs (NM_003319.4); c.73853_73860del, p.Asn24618fs (NM_133378.4); c.54737_54744del, p.Asn18246fs (NM_133432.3); c.54938_54945del, p.Asn18313fs (NM_133437.4); short protein forms N18246fs, N27186fs, N18121fs, N24618fs, N18313fs, N25545fs.
Identifiers: ClinVar variation 1501211 (VCV001501211.7), dbSNP rs2154162877, ClinGen allele CA2573134139.